The following is an entry in ClinVar:

ClinVar aggregate classification (germline): Uncertain significance (1 of 4 stars; one submission).

Conditions:
FG syndrome (FGS). Identifiers: MedGen C0220769, MONDO:0002010.

Submission:

Labcorp Genetics (formerly Invitae), Labcorp
Classification: Uncertain significance for FG syndrome. Last evaluated: 2025-04-28. Review status: criteria provided, single submitter. Criteria: Invitae Variant Classification Sherloc (09022015). Collection method: clinical testing. Allele origin: germline.
Comment: This sequence change replaces serine, which is neutral and polar, with threonine, which is neutral and polar, at codon 1896 of the MED12 protein (p.Ser1896Thr). This variant is not present in population databases (gnomAD no frequency). This variant has not been reported in the literature in individuals affected with MED12-related conditions. ClinVar contains an entry for this variant (Variation ID: 3634971). Invitae Evidence Modeling of protein sequence and biophysical properties (such as structural, functional, and spatial information, amino acid conservation, physicochemical variation, residue mobility, and thermodynamic stability) indicates that this missense variant is not expected to disrupt MED12 protein function with a negative predictive value of 95%. In summary, the available evidence is currently insufficient to determine the role of this variant in disease. Therefore, it has been classified as a Variant of Uncertain Significance.

NM_005120.3(MED12):c.5686T>A (p.Ser1896Thr)

Gene: MED12 (mediator complex subunit 12; plus strand). Cytogenetic location: Xq13.1.
Variant type: single nucleotide variant.
Coding change: c.5686T>A on transcript NM_005120.3 (MANE Select); coding-DNA position 5686, T replaced by A.
Protein change: p.Ser1896Thr; replaces serine 1896 with threonine.
Molecular consequence: missense variant.
Genome position (GRCh38, 1-based): chrX:71,137,321, T>A. VCF-style: chrX-71137321-T-A. GRCh37 (hg19) VCF-style: chrX-70357171-T-A.
Other names: short protein forms S1896T.
Identifiers: ClinVar variation 3634971 (VCV003634971.2).